The following is an entry in ClinVar:

ClinVar aggregate classification (germline): Pathogenic (1 of 4 stars; one submission).

Conditions:
Charcot-Marie-Tooth disease axonal type 2P. Also called: CHARCOT-MARIE-TOOTH NEUROPATHY, TYPE 2P; CHARCOT-MARIE-TOOTH DISEASE, AXONAL, TYPE 2G; CMT 2G; Charcot-Marie-Tooth Neuropathy Type 2G. Identifiers: Orphanet 300319, Orphanet 99941, MedGen C3280797, MONDO:0013753, OMIM 614436.

Submission:

Labcorp Genetics (formerly Invitae), Labcorp
Classification: Pathogenic for Charcot-Marie-Tooth disease axonal type 2P. Last evaluated: 2020-08-14. Review status: criteria provided, single submitter. Criteria: Invitae Variant Classification Sherloc (09022015). Collection method: clinical testing. Allele origin: germline.
Comment: This variant is not present in population databases (ExAC no frequency). This variant has not been reported in the literature in individuals with LRSAM1-related conditions. Loss-of-function variants in LRSAM1 are known to be pathogenic (PMID: 20865121). For these reasons, this variant has been classified as Pathogenic. This sequence change creates a premature translational stop signal (p.Leu201Phefs*36) in the LRSAM1 gene. It is expected to result in an absent or disrupted protein product.

Literature cited by the submitters: PubMed 20865121.

NM_001005373.4(LRSAM1):c.602dup (p.Leu201fs)

Gene: LRSAM1 (leucine rich repeat and sterile alpha motif containing 1; plus strand). Cytogenetic location: 9q33.3.
Variant type: Duplication.
Coding change: c.602dup on transcript NM_001005373.4 (MANE Select); coding-DNA position 602, one base duplicated (T; older notation c.602dupT).
Protein change: p.Leu201fs; shifts the reading frame from leucine 201.
Molecular consequence: frameshift variant. On other transcripts: 5 prime UTR variant (1), non-coding transcript variant (2).
Genome position (GRCh38, 1-based): chr9:127,467,813, T duplicated; the last of 2 consecutive T bases (chr9:127,467,812-127,467,813); duplicating either gives the same sequence. VCF-style (leftmost placement, unchanged base first): chr9-127467811-C-CT. GRCh37 (hg19) VCF-style: chr9-130230090-C-CT.
Other names: c.602dup, p.Leu201fs (NM_001005374.4, NM_001190723.3, NM_001384142.1 and 2 more transcripts); c.-183dup (NM_001384144.1); short protein forms L201fs.
Identifiers: ClinVar variation 1076924 (VCV001076924.7), dbSNP rs1215220865, ClinGen allele CA860163334.